The following is an entry in ClinVar:

ClinVar aggregate classification (germline): Conflicting classifications of pathogenicity. Review status: criteria provided, conflicting classifications (1 of 4 stars). 4 submissions from 4 submitters: Likely pathogenic (2); Uncertain significance (2). Last evaluated 2023-06-26.

Conditions:
Pyruvate kinase deficiency of red cells (CNSHA2). Also called: PK DEFICIENCY; PYRUVATE KINASE DEFICIENCY OF ERYTHROCYTE; Pyruvate kinase deficiency, Amish type. Identifiers: Orphanet 766, MedGen C0340968, MONDO:0009950, OMIM 266200.

Allele frequency attached by ClinVar (database versions not stated): gnomAD exomes 0.00001; ExAC 0.00002.
gnomAD v4.1: 19 of 1,614,206 alleles (0.0012%); highest among the groups gnomAD compares: Non-Finnish European, 0.0016%; no homozygotes.

Submissions (4):

Revvity Omics, Revvity
Classification: Likely pathogenic. Last evaluated: 2023-06-26. Review status: criteria provided, single submitter. Criteria: ACMG Guidelines, 2015. Collection method: clinical testing. Allele origin: germline.

Labcorp Genetics (formerly Invitae), Labcorp
Classification: Uncertain significance. Last evaluated: 2023-05-12. Review status: criteria provided, single submitter. Criteria: Invitae Variant Classification Sherloc (09022015). Collection method: clinical testing. Allele origin: germline.
Comment: This sequence change replaces glycine, which is neutral and non-polar, with aspartic acid, which is acidic and polar, at codon 458 of the PKLR protein (p.Gly458Asp). In summary, the available evidence is currently insufficient to determine the role of this variant in disease. Therefore, it has been classified as a Variant of Uncertain Significance. Advanced modeling of protein sequence and biophysical properties (such as structural, functional, and spatial information, amino acid conservation, physicochemical variation, residue mobility, and thermodynamic stability) performed at Invitae indicates that this missense variant is not expected to disrupt PKLR protein function. ClinVar contains an entry for this variant (Variation ID: 1162854). This missense change has been observed in individual(s) with pyruvate kinase deficiency (PMID: 7706479, 34008892). This variant is present in population databases (rs755522396, gnomAD 0.004%).

Laboratory of Medical Genetics, National & Kapodistrian University of Athens
Classification: Likely pathogenic for Pyruvate kinase deficiency of red cells. Last evaluated: 2021-10-01. Review status: criteria provided, single submitter. Criteria: ACMG Guidelines, 2015. Collection method: clinical testing. Allele origin: unknown. Affected: yes.
Comment: PM1, PM2, PP2, PP3, PP5

Mayo Clinic Laboratories, Mayo Clinic
Classification: Uncertain significance. Last evaluated: 2020-01-09. Review status: criteria provided, single submitter. Criteria: ACMG Guidelines, 2015. Collection method: clinical testing. Allele origin: germline. Observed: 1 variant allele.

Literature cited by the submitters: PubMed 7706479 (cited by Labcorp Genetics (formerly Invitae), Labcorp); PubMed 34008892 (cited by Labcorp Genetics (formerly Invitae), Labcorp and Laboratory of Medical Genetics, National & Kapodistrian University of Athens).

NM_000298.6(PKLR):c.1373G>A (p.Gly458Asp)

Gene: PKLR (pyruvate kinase L/R; minus strand). Cytogenetic location: 1q22.
Variant type: single nucleotide variant.
Coding change: c.1373G>A on transcript NM_000298.6 (MANE Select); coding-DNA position 1373, G replaced by A.
Protein change: p.Gly458Asp; replaces glycine 458 with aspartic acid.
Molecular consequence: missense variant.
Genome position (GRCh38, 1-based): chr1:155,293,240, C>T on the plus strand (G>A on the coding strand, the complement: PKLR is on the minus strand). VCF-style: chr1-155293240-C-T. GRCh37 (hg19) VCF-style: chr1-155263031-C-T.
Other names: c.1280G>A, p.Gly427Asp (NM_181871.4); short protein forms G427D, G458D.
Identifiers: ClinVar variation 1162854 (VCV001162854.12), dbSNP rs755522396, ClinGen allele CA1144025.